The following is an entry in ClinVar:

ClinVar aggregate classification (germline): Likely benign (0 of 4 stars; one submission).

Conditions:
DAAM1-related disorder. Also called: DAAM1-related condition.

Submission:

PreventionGenetics, part of Exact Sciences
Classification: Likely benign for DAAM1-related condition. Last evaluated: 2019-10-29. Review status: no assertion criteria provided. Collection method: clinical testing. Allele origin: germline.
Comment: This variant is classified as likely benign based on ACMG/AMP sequence variant interpretation guidelines (Richards et al. 2015 PMID: 25741868, with internal and published modifications).

NM_001270520.2(DAAM1):c.1668T>A (p.Pro556=)

Gene: DAAM1 (dishevelled associated activator of morphogenesis 1; plus strand). Cytogenetic location: 14q23.1.
Variant type: single nucleotide variant.
Coding change: c.1668T>A on transcript NM_001270520.2 (MANE Select); coding-DNA position 1668, T replaced by A.
Protein change: p.Pro556=; no amino-acid change (proline 556 retained).
Molecular consequence: synonymous variant.
Genome position (GRCh38, 1-based): chr14:59,331,316, T>A. VCF-style: chr14-59331316-T-A. GRCh37 (hg19) VCF-style: chr14-59798034-T-A.
Other names: c.1668T>A, p.Pro556= (NM_014992.2).
Identifiers: ClinVar variation 3038460 (VCV003038460.2), dbSNP rs781426332, ClinGen allele CA486666584.